The following is an entry in ClinVar:

ClinVar aggregate classification (germline): Benign/Likely benign. Review status: criteria provided, multiple submitters, no conflicts (2 of 4 stars). 11 submissions from 11 submitters: Benign (5); Likely benign (5). 1 of the submissions does not count toward it. Last evaluated 2026-02-03.

Conditions:
Hereditary nonpolyposis colorectal neoplasms. Identifiers: MedGen C0009405, MeSH D003123.
Hereditary cancer-predisposing syndrome. Also called: Tumor predisposition; Neoplastic Syndromes, Hereditary; Hereditary neoplastic syndrome; Hereditary Cancer Syndrome. Identifiers: Orphanet 140162, MedGen C0027672, MeSH D009386, MONDO:0015356.
Lynch syndrome. Identifiers: Orphanet 144, MedGen C4552100, MONDO:0005835. Disease mechanism: loss of function.
Lynch syndrome 4 (LYNCH4). Also called: Colorectal cancer, hereditary nonpolyposis, type 4; Hereditary non-polyposis colorectal cancer, type 4. Identifiers: Orphanet 144, MedGen C1838333, MONDO:0013699, OMIM 614337. Disease mechanism: loss of function.

Allele frequency attached by ClinVar (database versions not stated): gnomAD exomes 0.00004 and 0.00013; ExAC 0.00017; gnomAD 0.00025; TOPMed 0.00026; ESP Exome Variant Server 0.00046.
gnomAD v4.1: 90 of 1,614,148 alleles (0.0056%); highest among the groups gnomAD compares: African/African-American, 0.093%; 1 homozygote.

Submissions (11):

Labcorp Genetics (formerly Invitae), Labcorp
Classification: Benign for Hereditary nonpolyposis colorectal neoplasms. Last evaluated: 2026-02-03. Review status: criteria provided, single submitter. Criteria: Invitae Variant Classification Sherloc (09022015). Collection method: clinical testing. Allele origin: germline.

Myriad Genetics, Inc.
Classification: Benign for Lynch syndrome 4. Last evaluated: 2025-01-30. Review status: criteria provided, single submitter. Criteria: Myriad Autosomal Dominant, Autosomal Recessive and X-Linked Classification Criteria (2023). Collection method: clinical testing. Allele origin: unknown.
Comment: This variant is considered benign. This variant is a silent/synonymous amino acid change and it is not expected to impact splicing.

Blueprint Genetics
Classification: Likely benign. Last evaluated: 2024-10-23. Review status: criteria provided, single submitter. Criteria: ACMG Guidelines, 2015. Collection method: clinical testing. Allele origin: germline.

All of Us Research Program, National Institutes of Health
Classification: Likely benign for Lynch syndrome. Last evaluated: 2024-02-05. Review status: criteria provided, single submitter. Criteria: ACMG Guidelines, 2015. Collection method: clinical testing. Allele origin: germline. Inheritance: Autosomal dominant inheritance. Observed: 18 variant alleles, 18 heterozygotes.
Comment: This study involves interpretation of variants in research participants for the purpose of population health screening. Participant phenotype was not available at the time of variant classification. Additional details can be found in publication PMID: 35346344, PMCID: PMC8962531

Women's Health and Genetics/Laboratory Corporation of America, LabCorp
Classification: Benign. Last evaluated: 2022-06-24. Review status: criteria provided, single submitter. Criteria: LabCorp Variant Classification Summary - May 2015. Collection method: clinical testing. Allele origin: germline.

Sema4
Classification: Likely benign for Hereditary cancer-predisposing syndrome. Last evaluated: 2021-06-08. Review status: criteria provided, single submitter. Criteria: Sema4 Curation Guidelines. Collection method: curation. Allele origin: germline.

Quest Diagnostics Nichols Institute San Juan Capistrano
Classification: Benign. Last evaluated: 2019-12-24. Review status: criteria provided, single submitter. Criteria: Quest Diagnostics criteria. Collection method: clinical testing. Allele origin: unknown.

Color Diagnostics, LLC DBA Color Health
Classification: Likely benign for Hereditary cancer-predisposing syndrome. Last evaluated: 2016-08-01. Review status: criteria provided, single submitter. Criteria: ACMG Guidelines, 2015. Collection method: clinical testing. Allele origin: germline.

GeneDx
Classification: Benign. Last evaluated: 2015-03-03. Review status: criteria provided, single submitter. Criteria: GeneDx Variant Classification Process June 2021. Collection method: clinical testing. Allele origin: germline. Affected: yes.

Ambry Genetics
Classification: Likely benign for Hereditary cancer-predisposing syndrome. Last evaluated: 2014-12-08. Review status: criteria provided, single submitter. Criteria: Ambry Variant Classification Scheme 2023. Collection method: clinical testing. Allele origin: germline.

Department of Pathology and Laboratory Medicine, Sinai Health System
Classification: Likely benign. Review status: no assertion criteria provided. Collection method: clinical testing. Allele origin: unknown. Affected: yes. Study: The Canadian Open Genetics Repository (COGR). Not counted in ClinVar's aggregate classification.
Comment: The PMS2 p.Asp414= variant was not identified in the literature. The variant was identified in dbSNP (ID: rs142839559) as "With Likely benign allele" and in ClinVar (classified as benign by Invitae; and as likely benign by Ambry Genetics, Color and Integrated Genetics/Laboratory Corporation of America). The variant was identified in control databases in 37 of 277098 chromosomes at a frequency of 0.0001 (Genome Aggregation Database Feb 27, 2017). The variant was observed in the following populations: African in 27 of 24012 chromosomes (freq: 0.001, increasing the likelihood this could be a low frequency benign variant), Other in 2 of 6458 chromosomes (freq: 0.0003), Latino in 6 of 34414 chromosomes (freq: 0.0002), and European in 2 of 126636 chromosomes (freq: 0.00002); it was not observed in the Ashkenazi Jewish, East Asian, Finnish, or South Asian populations. The p.Asp414= variant is not expected to have clinical significance because it does not result in a change of amino acid and is not located in a known consensus splice site. In addition, in silico or computational prediction software programs (SpliceSiteFinder, MaxEntScan, NNSPLICE, GeneSplicer) do not predict a difference in splicing. In summary, based on the above information, the clinical significance of this variant cannot be determined with certainty at this time although we would lean towards a more benign role for this variant. This variant is classified as likely benign.

NM_000535.7(PMS2):c.1242C>T (p.Asp414=)

Gene: PMS2 (PMS1 homolog 2, mismatch repair system component; minus strand). Cytogenetic location: 7p22.1.
Variant type: single nucleotide variant.
Coding change: c.1242C>T on transcript NM_000535.7 (MANE Select); coding-DNA position 1242, C replaced by T.
Protein change: p.Asp414=; no amino-acid change (aspartic acid 414 retained).
Molecular consequence: synonymous variant. On other transcripts: non-coding transcript variant (1).
Genome position (GRCh38, 1-based): chr7:5,987,523, G>A on the plus strand (C>T on the coding strand, the complement: PMS2 is on the minus strand). VCF-style: chr7-5987523-G-A. GRCh37 (hg19) VCF-style: chr7-6027154-G-A.
Other names: c.837C>T, p.Asp279= (NM_001322003.2, NM_001322004.2, NM_001322005.2 and 1 more transcripts); c.1086C>T, p.Asp362= (NM_001322006.2); c.924C>T, p.Asp308= (NM_001322007.2, NM_001322008.2); c.681C>T, p.Asp227= (NM_001322010.2); c.309C>T, p.Asp103= (NM_001322011.2, NM_001322012.2); c.669C>T, p.Asp223= (NM_001322013.2); c.1242C>T, p.Asp414= (NM_001322014.2); c.933C>T, p.Asp311= (NM_001322015.2).
Identifiers: ClinVar variation 187191 (VCV000187191.29), dbSNP rs142839559, ClinGen allele CA009412.
Genomic context (GRCh38, chr7:5,987,523, plus strand): 5'-AGGCTTGTTCTCTGTTGTGTGACGAAGAGAAAAGGCCTCTCGCAGTCTGGAAATGGACAC[G>A]TCTTTTTTTTCTTCTCCAGTCCTTAATGAAGGGGATTGATCCTGCTTTTCTACCATGGGC-3'
Protein context (NP_000526.2, residues 404-424): PSLRTGEEKK[Asp414=]VSISRLREAF